The following is an entry in ClinVar:

ClinVar aggregate classification (germline): Likely benign (0 of 4 stars; one submission).

Conditions:
LAMB3-related disorder. Also called: LAMB3-related condition.

gnomAD v4.1: 1 of 1,614,012 alleles (0.000062%); highest among the groups gnomAD compares: African/African-American, 0.0013%; no homozygotes.

Submission:

PreventionGenetics, part of Exact Sciences
Classification: Likely benign for LAMB3-related condition. Last evaluated: 2023-12-04. Review status: no assertion criteria provided. Collection method: clinical testing. Allele origin: germline.
Comment: This variant is classified as likely benign based on ACMG/AMP sequence variant interpretation guidelines (Richards et al. 2015 PMID: 25741868, with internal and published modifications).

NM_000228.3(LAMB3):c.629-5C>A

Gene: LAMB3 (laminin subunit beta 3; minus strand). Cytogenetic location: 1q32.2.
Variant type: single nucleotide variant.
Coding change: c.629-5C>A on transcript NM_000228.3 (MANE Select); 5 bases into the intron before coding-DNA position 629, C replaced by A.
Molecular consequence: intron variant.
Genome position (GRCh38, 1-based): chr1:209,632,781, G>T on the plus strand (C>A on the coding strand, the complement: LAMB3 is on the minus strand). VCF-style: chr1-209632781-G-T. GRCh37 (hg19) VCF-style: chr1-209806126-G-T.
Other names: c.629-5C>A (NM_001127641.1, NM_001017402.2).
Identifiers: ClinVar variation 3032700 (VCV003032700.2), dbSNP rs375846575, ClinGen allele CA2650322170.